The following is an entry in ClinVar:

NM_015192.4(PLCB1):c.250C>A (p.Pro84Thr)

Gene: PLCB1 (phospholipase C beta 1; plus strand). Cytogenetic location: 20p12.3.
Variant type: single nucleotide variant.
Coding change: c.250C>A on transcript NM_015192.4 (MANE Select); coding-DNA position 250, C replaced by A.
Protein change: p.Pro84Thr; replaces proline 84 with threonine.
Molecular consequence: missense variant.
Genome position (GRCh38, 1-based): chr20:8,628,297, C>A. VCF-style: chr20-8628297-C-A. GRCh37 (hg19) VCF-style: chr20-8608944-C-A.
Other names: c.250C>A, p.Pro84Thr (NM_182734.3); short protein forms P84T.
Identifiers: ClinVar variation 2130247 (VCV002130247.4), dbSNP rs2515127403, ClinGen allele CA408261900.

ClinVar aggregate classification (germline): Uncertain significance (1 of 4 stars; one submission).

Conditions:
Developmental and epileptic encephalopathy, 12 (DEE12). Identifiers: MedGen C3150988, MONDO:0013389, OMIM 613722.

Allele frequency attached by ClinVar (database versions not stated): gnomAD exomes 0.00003.
gnomAD v4.1: 42 of 1,612,938 alleles (0.0026%); highest among the groups gnomAD compares: Non-Finnish European, 0.0035%; no homozygotes.

Submission:

Labcorp Genetics (formerly Invitae), Labcorp
Classification: Uncertain significance for Developmental and epileptic encephalopathy, 12. Last evaluated: 2022-04-24. Review status: criteria provided, single submitter. Criteria: Invitae Variant Classification Sherloc (09022015). Collection method: clinical testing. Allele origin: germline.
Comment: This variant has not been reported in the literature in individuals affected with PLCB1-related conditions. In summary, the available evidence is currently insufficient to determine the role of this variant in disease. Therefore, it has been classified as a Variant of Uncertain Significance. Algorithms developed to predict the effect of missense changes on protein structure and function (SIFT, PolyPhen-2, Align-GVGD) all suggest that this variant is likely to be tolerated. This variant is not present in population databases (gnomAD no frequency). This sequence change replaces proline, which is neutral and non-polar, with threonine, which is neutral and polar, at codon 84 of the PLCB1 protein (p.Pro84Thr).